The following is an entry in ClinVar:

ClinVar aggregate classification (germline): Conflicting classifications of pathogenicity. Review status: criteria provided, conflicting classifications (1 of 4 stars). 2 submissions from 2 submitters: Likely pathogenic (1); Uncertain significance (1). Last evaluated 2026-02-25.

Submissions (2):

Dasa
Classification: Uncertain significance. Last evaluated: 2026-02-25. Review status: criteria provided, single submitter. Criteria: DASA Assertion Criteria. Collection method: clinical testing. Allele origin: germline.
Comment: NM_006005.3(WFS1):c.962C>G (p.Thr321Arg) is a missense variant that results in the substitution of threonine with arginine. The affected residue or protein region has prior evidence supporting clinical relevance. This variant is rare in population databases. Computational prediction algorithms are consistent with a deleterious effect. The currently available literature and clinical evidence are not sufficient to establish a definitive association between this variant and the reported condition. Therefore, this variant is classified as a variant of uncertain significance.

Labcorp Genetics (formerly Invitae), Labcorp
Classification: Likely pathogenic. Last evaluated: 2025-08-12. Review status: criteria provided, single submitter. Criteria: Invitae Variant Classification Sherloc (09022015). Collection method: clinical testing. Allele origin: germline.
Comment: This sequence change replaces threonine, which is neutral and polar, with arginine, which is basic and polar, at codon 321 of the WFS1 protein (p.Thr321Arg). This variant is present in population databases (no rsID available, gnomAD no frequency). This variant has not been reported in the literature in individuals affected with WFS1-related conditions. ClinVar contains an entry for this variant (Variation ID: 1481097). Invitae Evidence Modeling of protein sequence and biophysical properties (such as structural, functional, and spatial information, amino acid conservation, physicochemical variation, residue mobility, and thermodynamic stability) has been performed for this missense variant. However, the output from this modeling did not meet the statistical confidence thresholds required to predict the impact of this variant on WFS1 protein function. This variant disrupts the p.Thr321 amino acid residue in WFS1. Other variant(s) that disrupt this residue have been determined to be pathogenic (internal data). This suggests that this residue is clinically significant, and that variants that disrupt this residue are likely to be disease-causing. In summary, the currently available evidence indicates that the variant is pathogenic, but additional data are needed to prove that conclusively. Therefore, this variant has been classified as Likely Pathogenic.

NM_006005.3(WFS1):c.962C>G (p.Thr321Arg)

Gene: WFS1 (wolframin ER transmembrane glycoprotein; plus strand). Cytogenetic location: 4p16.1.
Variant type: single nucleotide variant.
Coding change: c.962C>G on transcript NM_006005.3 (MANE Select); coding-DNA position 962, C replaced by G.
Protein change: p.Thr321Arg; replaces threonine 321 with arginine.
Molecular consequence: missense variant.
Genome position (GRCh38, 1-based): chr4:6,300,757, C>G. VCF-style: chr4-6300757-C-G. GRCh37 (hg19) VCF-style: chr4-6302484-C-G.
Other names: c.962C>G, p.Thr321Arg (NM_001145853.1); short protein forms T321R.
Identifiers: ClinVar variation 1481097 (VCV001481097.10), dbSNP rs745761673, ClinGen allele CA91796215.